The following is an entry in ClinVar:

NM_001040108.2(MLH3):c.1300A>G (p.Asn434Asp)

Gene: MLH3 (mutL homolog 3; minus strand). Cytogenetic location: 14q24.3.
Variant type: single nucleotide variant.
Coding change: c.1300A>G on transcript NM_001040108.2 (MANE Select); coding-DNA position 1300, A replaced by G.
Protein change: p.Asn434Asp; replaces asparagine 434 with aspartic acid.
Molecular consequence: missense variant.
Genome position (GRCh38, 1-based): chr14:75,048,356, T>C on the plus strand (A>G on the coding strand, the complement: MLH3 is on the minus strand). VCF-style: chr14-75048356-T-C. GRCh37 (hg19) VCF-style: chr14-75515059-T-C.
Other names: c.1300A>G, p.Asn434Asp (NM_014381.3); short protein forms N434D.
Identifiers: ClinVar variation 314388 (VCV000314388.11), dbSNP rs886050777, ClinGen allele CA10644936.
Genomic context (GRCh38, chr14:75,048,356, plus strand): 5'-TCATTTTGCTATGGCCTGGACCACCTGATTCATAAATGTACAAAAATGCATCATTTGTAT[T>C]TTTTCTGGTAGCTTCTGAATCCCTAGAACTCTGTGTGTTTACGTTTTCTGCAGTAGTTTT-3'
Protein context (NP_001035197.1, residues 424-444): SSRDSEATRK[Asn434Asp]TNDAFLYIYE

ClinVar aggregate classification (germline): Uncertain significance. Review status: criteria provided, multiple submitters, no conflicts (2 of 4 stars). 3 submissions from 3 submitters: Uncertain significance (3). Last evaluated 2024-07-16.

Conditions:
Colorectal cancer, hereditary nonpolyposis, type 7. Identifiers: Orphanet 144, MedGen C1858380, MONDO:0013725, OMIM 614385.

Allele frequency attached by ClinVar (database versions not stated): TOPMed 0.00001; gnomAD 0.00001; gnomAD exomes 0.00001.

Submissions (3):

Labcorp Genetics (formerly Invitae), Labcorp
Classification: Uncertain significance for Colorectal cancer, hereditary nonpolyposis, type 7. Last evaluated: 2024-07-16. Review status: criteria provided, single submitter. Criteria: Invitae Variant Classification Sherloc (09022015). Collection method: clinical testing. Allele origin: germline.
Comment: This sequence change replaces asparagine, which is neutral and polar, with aspartic acid, which is acidic and polar, at codon 434 of the MLH3 protein (p.Asn434Asp). This variant is not present in population databases (gnomAD no frequency). This variant has not been reported in the literature in individuals affected with MLH3-related conditions. ClinVar contains an entry for this variant (Variation ID: 314388). An algorithm developed to predict the effect of missense changes on protein structure and function (PolyPhen-2) suggests that this variant is likely to be tolerated. In summary, the available evidence is currently insufficient to determine the role of this variant in disease. Therefore, it has been classified as a Variant of Uncertain Significance.

Ambry Genetics
Classification: Uncertain significance. Last evaluated: 2024-03-10. Review status: criteria provided, single submitter. Criteria: Ambry Variant Classification Scheme 2023. Collection method: clinical testing. Allele origin: germline.
Comment: The p.N434D variant (also known as c.1300A>G), located in coding exon 1 of the MLH3 gene, results from an A to G substitution at nucleotide position 1300. The asparagine at codon 434 is replaced by aspartic acid, an amino acid with highly similar properties. This amino acid position is conserved. In addition, this alteration is predicted to be tolerated by in silico analysis. Since supporting evidence is limited at this time, the clinical significance of this alteration remains unclear.

Illumina Laboratory Services, Illumina
Classification: Uncertain significance for Colorectal cancer, hereditary nonpolyposis, type 7. Last evaluated: 2018-01-12. Review status: criteria provided, single submitter. Criteria: ICSL Variant Classification Criteria 13 December 2019. Collection method: clinical testing. Allele origin: germline.